The following is an entry in ClinVar:

ClinVar aggregate classification (germline): Likely benign (1 of 4 stars; one submission).

Allele frequency attached by ClinVar (database versions not stated): 1000 Genomes Project 0.00399; 1000 Genomes Project 30x 0.00515; TOPMed 0.01161; gnomAD 0.01351 and 0.01402.
gnomAD v4.1: 2,049 of 152,304 alleles (1.3%); highest among the groups gnomAD compares: Non-Finnish European, 2.1%; 22 homozygotes.

Submission:

GeneDx
Classification: Likely benign. Last evaluated: 2018-06-14. Review status: criteria provided, single submitter. Criteria: GeneDx Variant Classification (06012015). Collection method: clinical testing. Allele origin: germline. Affected: yes.
Comment: This variant is considered likely benign or benign based on one or more of the following criteria: it is a conservative change, it occurs at a poorly conserved position in the protein, it is predicted to be benign by multiple in silico algorithms, and/or has population frequency not consistent with disease.

NM_000093.5(COL5A1):c.109+296A>G

Gene: COL5A1 (collagen type V alpha 1 chain; plus strand). Cytogenetic location: 9q34.3.
Variant type: single nucleotide variant.
Coding change: c.109+296A>G on transcript NM_000093.5 (MANE Select); 296 bases into the intron after coding-DNA position 109, A replaced by G.
Molecular consequence: intron variant.
Genome position (GRCh38, 1-based): chr9:134,642,592, A>G. VCF-style: chr9-134642592-A-G. GRCh37 (hg19) VCF-style: chr9-137534438-A-G.
Other names: c.109+296A>G (NM_001278074.1).
Identifiers: ClinVar variation 669752 (VCV000669752.1), dbSNP rs117721261, ClinGen allele CA201068894.